The following is an entry in ClinVar:

NM_024642.5(GALNT12):c.533G>A (p.Ser178Asn)

Gene: GALNT12 (polypeptide N-acetylgalactosaminyltransferase 12; plus strand). Cytogenetic location: 9q22.33.
Variant type: single nucleotide variant.
Coding change: c.533G>A on transcript NM_024642.5 (MANE Select); coding-DNA position 533, G replaced by A.
Protein change: p.Ser178Asn; replaces serine 178 with asparagine.
Molecular consequence: missense variant.
Genome position (GRCh38, 1-based): chr9:98,823,417, G>A. VCF-style: chr9-98823417-G-A. GRCh37 (hg19) VCF-style: chr9-101585699-G-A.
Other names: short protein forms S178N.
Identifiers: ClinVar variation 3852670 (VCV003852670.1).

ClinVar aggregate classification (germline): Uncertain significance (1 of 4 stars; one submission).

Submission:

Ambry Genetics
Classification: Uncertain significance. Last evaluated: 2025-01-25. Review status: criteria provided, single submitter. Criteria: Ambry Variant Classification Scheme 2023. Collection method: clinical testing. Allele origin: germline.
Comment: The p.S178N variant (also known as c.533G>A), located in coding exon 2 of the GALNT12 gene, results from a G to A substitution at nucleotide position 533. The serine at codon 178 is replaced by asparagine, an amino acid with highly similar properties. This amino acid position is conserved. In addition, the in silico prediction for this alteration is inconclusive. Based on the available evidence, the clinical significance of this variant remains unclear.